The following is an entry in ClinVar:

NM_005585.5(SMAD6):c.841C>T (p.Arg281Trp)

Gene: SMAD6 (SMAD family member 6; plus strand). Cytogenetic location: 15q22.31.
Variant type: single nucleotide variant.
Coding change: c.841C>T on transcript NM_005585.5 (MANE Select); coding-DNA position 841, C replaced by T.
Protein change: p.Arg281Trp; replaces arginine 281 with tryptophan.
Molecular consequence: missense variant. On other transcripts: non-coding transcript variant (1).
Genome position (GRCh38, 1-based): chr15:66,711,691, C>T. VCF-style: chr15-66711691-C-T. GRCh37 (hg19) VCF-style: chr15-67004029-C-T.
Other names: short protein forms R281W.
Identifiers: ClinVar variation 471764 (VCV000471764.12), dbSNP rs200004068, ClinGen allele CA392951072.
Genomic context (GRCh38, chr15:66,711,691, plus strand): 5'-CAACCCTGGCAGTGACATGCTGTCTCCTGTCTTCCAGAATCTCCGCCACCTCCCTACTCT[C>T]GGCTGTCTCCTCGCGACGAGTACAAGCCACTGGGTAAGTGTGCCCTCCTTCCTACCCTTG-3'
Protein context (NP_005576.3, residues 271-291): GPESPPPPYS[Arg281Trp]LSPRDEYKPL

ClinVar aggregate classification (germline): Uncertain significance. Review status: criteria provided, multiple submitters, no conflicts (2 of 4 stars). 2 submissions from 2 submitters: Uncertain significance (2). Last evaluated 2025-09-10.

Conditions:
Inborn genetic diseases. Identifiers: MedGen C0950123, MeSH D030342.
Aortic valve disease 2 (AOVD2). Identifiers: MedGen C3542024, MONDO:0013902, OMIM 614823.

gnomAD v4.1: 19 of 1,613,770 alleles (0.0012%); highest among the groups gnomAD compares: South Asian, 0.011%; no homozygotes.

Submissions (2):

Labcorp Genetics (formerly Invitae), Labcorp
Classification: Uncertain significance for Aortic valve disease 2. Last evaluated: 2025-09-10. Review status: criteria provided, single submitter. Criteria: Invitae Variant Classification Sherloc (09022015). Collection method: clinical testing. Allele origin: germline.
Comment: This sequence change replaces arginine, which is basic and polar, with tryptophan, which is neutral and slightly polar, at codon 281 of the SMAD6 protein (p.Arg281Trp). This variant is present in population databases (no rsID available, gnomAD 0.01%). This variant has not been reported in the literature in individuals affected with SMAD6-related conditions. ClinVar contains an entry for this variant (Variation ID: 471764). Invitae Evidence Modeling of protein sequence and biophysical properties (such as structural, functional, and spatial information, amino acid conservation, physicochemical variation, residue mobility, and thermodynamic stability) indicates that this missense variant is not expected to disrupt SMAD6 protein function with a negative predictive value of 80%. In summary, the available evidence is currently insufficient to determine the role of this variant in disease. Therefore, it has been classified as a Variant of Uncertain Significance.

Ambry Genetics
Classification: Uncertain significance for Inborn genetic diseases. Last evaluated: 2025-05-18. Review status: criteria provided, single submitter. Criteria: Ambry Variant Classification Scheme 2023. Collection method: clinical testing. Allele origin: germline.
Comment: The p.R281W variant (also known as c.841C>T), located in coding exon 2 of the SMAD6 gene, results from a C to T substitution at nucleotide position 841. The arginine at codon 281 is replaced by tryptophan, an amino acid with dissimilar properties. This amino acid position is conserved. In addition, this alteration is predicted to be deleterious by in silico analysis. Based on the available evidence, the clinical significance of this variant remains unclear.